The following is an entry in ClinVar:

NM_001165963.4(SCN1A):c.3885A>G (p.Ser1295=)

Genes: SCN1A (sodium voltage-gated channel alpha subunit 1; minus strand), LOC102724058 (uncharacterized LOC102724058; plus strand). Cytogenetic location: 2q24.3.
Variant type: single nucleotide variant.
Coding change: c.3885A>G on transcript NM_001165963.4 (MANE Select); coding-DNA position 3885, A replaced by G.
Protein change: p.Ser1295=; no amino-acid change (serine 1295 retained).
Molecular consequence: synonymous variant. On other transcripts: non-coding transcript variant (1).
Genome position (GRCh38, 1-based): chr2:166,009,836, T>C on the plus strand (A>G on the coding strand, the complement: SCN1A is on the minus strand). VCF-style: chr2-166009836-T-C. GRCh37 (hg19) VCF-style: chr2-166866346-T-C.
Other names: c.3801A>G, p.Ser1267= (NM_001165964.3, NM_001353957.2, NM_001353958.2); c.3885A>G, p.Ser1295= (NM_001202435.3, NM_001353948.2); c.3852A>G, p.Ser1284= (NM_001353949.2, NM_001353950.2, NM_001353951.2 and 2 more transcripts); c.3849A>G, p.Ser1283= (NM_001353954.2, NM_001353955.2); c.3798A>G, p.Ser1266= (NM_001353960.2); c.1443A>G, p.Ser481= (NM_001353961.2).
Identifiers: ClinVar variation 1675808 (VCV001675808.33), dbSNP rs2105571546, ClinGen allele CA429895539.

ClinVar aggregate classification (germline): Likely benign (1 of 4 stars; one submission).

Submission:

CeGaT Center for Human Genetics Tuebingen
Classification: Likely benign. Last evaluated: 2022-03-01. Review status: criteria provided, single submitter. Criteria: CeGaT Center For Human Genetics Tuebingen Variant Classification Criteria Version 2. Collection method: clinical testing. Allele origin: germline. Affected: yes. Observed: 1 variant allele.
Comment: SCN1A: PM2:Supporting, BP4, BP7